The following is an entry in ClinVar:

NM_001364905.1(LRBA):c.3220A>G (p.Thr1074Ala)

Gene: LRBA (LPS responsive beige-like anchor protein; minus strand). Cytogenetic location: 4q31.3.
Variant type: single nucleotide variant.
Coding change: c.3220A>G on transcript NM_001364905.1 (MANE Select); coding-DNA position 3220, A replaced by G.
Protein change: p.Thr1074Ala; replaces threonine 1074 with alanine.
Molecular consequence: missense variant.
Genome position (GRCh38, 1-based): chr4:150,852,490, T>C on the plus strand (A>G on the coding strand, the complement: LRBA is on the minus strand). VCF-style: chr4-150852490-T-C. GRCh37 (hg19) VCF-style: chr4-151773642-T-C.
Other names: c.3220A>G, p.Thr1074Ala (NM_001199282.3, NM_001367550.1, NM_006726.5); short protein forms T1074A.
Identifiers: ClinVar variation 1022630 (VCV001022630.9), dbSNP rs754130305, ClinGen allele CA3103079.

ClinVar aggregate classification (germline): Uncertain significance. Review status: criteria provided, multiple submitters, no conflicts (2 of 4 stars). 2 submissions from 2 submitters: Uncertain significance (2). Last evaluated 2025-03-27.

Conditions:
Inborn genetic diseases. Identifiers: MedGen C0950123, MeSH D030342.
Combined immunodeficiency due to LRBA deficiency. Also called: Common variable immunodeficiency 8, with autoimmunity. Identifiers: Orphanet 445018, MedGen C3553512, MONDO:0013863, OMIM 614700.

Allele frequency attached by ClinVar (database versions not stated): gnomAD exomes below 0.00001 and 0.00003; TOPMed 0.00002; ExAC 0.00007.
gnomAD v4.1: 4 of 1,613,674 alleles (0.00025%); highest among the groups gnomAD compares: East Asian, 0.0089%; no homozygotes.

Submissions (2):

Ambry Genetics
Classification: Uncertain significance for Inborn genetic diseases. Last evaluated: 2025-03-27. Review status: criteria provided, single submitter. Criteria: Ambry Variant Classification Scheme 2023. Collection method: clinical testing. Allele origin: germline.

Labcorp Genetics (formerly Invitae), Labcorp
Classification: Uncertain significance for Combined immunodeficiency due to LRBA deficiency. Last evaluated: 2020-07-23. Review status: criteria provided, single submitter. Criteria: Invitae Variant Classification Sherloc (09022015). Collection method: clinical testing. Allele origin: germline.
Comment: Algorithms developed to predict the effect of missense changes on protein structure and function (SIFT, PolyPhen-2, Align-GVGD) all suggest that this variant is likely to be tolerated, but these predictions have not been confirmed by published functional studies and their clinical significance is uncertain. In summary, the available evidence is currently insufficient to determine the role of this variant in disease. Therefore, it has been classified as a Variant of Uncertain Significance. This variant has not been reported in the literature in individuals with LRBA-related conditions. This variant is present in population databases (rs754130305, ExAC 0.09%). This sequence change replaces threonine with alanine at codon 1074 of the LRBA protein (p.Thr1074Ala). The threonine residue is weakly conserved and there is a small physicochemical difference between threonine and alanine.